The following is an entry in ClinVar:

ClinVar aggregate classification (germline): Uncertain significance (1 of 4 stars; one submission).

Allele frequency attached by ClinVar (database versions not stated): gnomAD exomes below 0.00001; TOPMed below 0.00001; gnomAD 0.00001.
gnomAD v4.1: 2 of 1,613,916 alleles (0.00012%); highest among the groups gnomAD compares: Non-Finnish European, 0.00017%; no homozygotes.

Submission:

GeneDx
Classification: Uncertain significance. Last evaluated: 2025-06-08. Review status: criteria provided, single submitter. Criteria: GeneDx Variant Classification Process June 2021. Collection method: clinical testing. Allele origin: germline.
Comment: Not observed at significant frequency in large population cohorts (gnomAD); In silico analysis suggests that this missense variant does not alter protein structure/function; Has not been previously published as pathogenic or benign to our knowledge

NM_006922.4(SCN3A):c.1563C>G (p.Asp521Glu)

Gene: SCN3A (sodium voltage-gated channel alpha subunit 3; minus strand). Cytogenetic location: 2q24.3.
Variant type: single nucleotide variant.
Coding change: c.1563C>G on transcript NM_006922.4 (MANE Select); coding-DNA position 1563, C replaced by G.
Protein change: p.Asp521Glu; replaces aspartic acid 521 with glutamic acid.
Molecular consequence: missense variant.
Genome position (GRCh38, 1-based): chr2:165,146,847, G>C on the plus strand (C>G on the coding strand, the complement: SCN3A is on the minus strand). VCF-style: chr2-165146847-G-C. GRCh37 (hg19) VCF-style: chr2-166003357-G-C.
Other names: c.1563C>G, p.Asp521Glu (NM_001081676.2, NM_001081677.2); short protein forms D521E.
Identifiers: ClinVar variation 2504792 (VCV002504792.2), dbSNP rs1688373764, ClinGen allele CA349236480.